The following is an entry in ClinVar:

NM_000066.4(C8B):c.1723A>G (p.Asn575Asp)

Gene: C8B (complement C8 beta chain; minus strand). Cytogenetic location: 1p32.2.
Variant type: single nucleotide variant.
Coding change: c.1723A>G on transcript NM_000066.4 (MANE Select); coding-DNA position 1723, A replaced by G.
Protein change: p.Asn575Asp; replaces asparagine 575 with aspartic acid.
Molecular consequence: missense variant.
Genome position (GRCh38, 1-based): chr1:56,929,457, T>C on the plus strand (A>G on the coding strand, the complement: C8B is on the minus strand). VCF-style: chr1-56929457-T-C. GRCh37 (hg19) VCF-style: chr1-57395130-T-C.
Other names: c.1567A>G, p.Asn523Asp (NM_001278543.2); c.1537A>G, p.Asn513Asp (NM_001278544.2); short protein forms N513D, N523D, N575D.
Identifiers: ClinVar variation 1391523 (VCV001391523.5), dbSNP rs190080984, ClinGen allele CA875538.

ClinVar aggregate classification (germline): Uncertain significance (1 of 4 stars; one submission).

Allele frequency attached by ClinVar (database versions not stated): gnomAD exomes 0.00001 and 0.00004; TOPMed 0.00003; ExAC 0.00006; 1000 Genomes Project 0.00040; 1000 Genomes Project 30x 0.00047.

Submission:

Labcorp Genetics (formerly Invitae), Labcorp
Classification: Uncertain significance. Last evaluated: 2021-08-27. Review status: criteria provided, single submitter. Criteria: Invitae Variant Classification Sherloc (09022015). Collection method: clinical testing. Allele origin: germline.
Comment: This sequence change replaces asparagine with aspartic acid at codon 575 of the C8B protein (p.Asn575Asp). The asparagine residue is moderately conserved and there is a small physicochemical difference between asparagine and aspartic acid. This variant is present in population databases (rs190080984, ExAC 0.07%). This variant has not been reported in the literature in individuals affected with C8B-related conditions. Algorithms developed to predict the effect of missense changes on protein structure and function (SIFT, PolyPhen-2, Align-GVGD) all suggest that this variant is likely to be tolerated. Algorithms developed to predict the effect of sequence changes on RNA splicing suggest that this variant may create or strengthen a splice site. In summary, the available evidence is currently insufficient to determine the role of this variant in disease. Therefore, it has been classified as a Variant of Uncertain Significance.